The following is an entry in ClinVar:

NM_198253.3(TERT):c.2379G>T (p.Glu793Asp)

Gene: TERT (telomerase reverse transcriptase; minus strand). Cytogenetic location: 5p15.33.
Variant type: single nucleotide variant.
Coding change: c.2379G>T on transcript NM_198253.3 (MANE Select); coding-DNA position 2379, G replaced by T.
Protein change: p.Glu793Asp; replaces glutamic acid 793 with aspartic acid.
Molecular consequence: missense variant.
Genome position (GRCh38, 1-based): chr5:1,272,188, C>A on the plus strand (G>T on the coding strand, the complement: TERT is on the minus strand). VCF-style: chr5-1272188-C-A. GRCh37 (hg19) VCF-style: chr5-1272303-C-A.
Other names: c.2379G>T, p.Glu793Asp (NM_001193376.3, NM_003219.1); short protein forms E793D.
Identifiers: ClinVar variation 2945068 (VCV002945068.3), dbSNP rs1334761065, ClinGen allele CA359076191.

ClinVar aggregate classification (germline): Uncertain significance (1 of 4 stars; one submission).

Conditions:
Dyskeratosis congenita, autosomal dominant 2. Identifiers: MedGen C3151443, MONDO:0013521, OMIM 613989.
Idiopathic Pulmonary Fibrosis. Also called: Idiopathic fibrosing alveolitis, chronic form; idiopathic fibrosing alveolitis. Identifiers: Orphanet 2032, MedGen C1800706, MeSH D054990, MONDO:0800504.

Submission:

Labcorp Genetics (formerly Invitae), Labcorp
Classification: Uncertain significance for Dyskeratosis congenita, autosomal dominant 2; Idiopathic Pulmonary Fibrosis. Last evaluated: 2023-03-07. Review status: criteria provided, single submitter. Criteria: Invitae Variant Classification Sherloc (09022015). Collection method: clinical testing. Allele origin: germline.
Comment: This variant is not present in population databases (gnomAD no frequency). This sequence change replaces glutamic acid, which is acidic and polar, with aspartic acid, which is acidic and polar, at codon 793 of the TERT protein (p.Glu793Asp). This variant has not been reported in the literature in individuals affected with TERT-related conditions. Advanced modeling of protein sequence and biophysical properties (such as structural, functional, and spatial information, amino acid conservation, physicochemical variation, residue mobility, and thermodynamic stability) performed at Invitae indicates that this missense variant is expected to disrupt TERT protein function. In summary, the available evidence is currently insufficient to determine the role of this variant in disease. Therefore, it has been classified as a Variant of Uncertain Significance.